The following is an entry in ClinVar:

NC_000019.10:g.56027071C>T

Genes: NLRP5 (NLR family pyrin domain containing 5; plus strand), LOC126862935 (BRD4-independent group 4 enhancer GRCh37_chr19:56537936-56539135; plus strand). Cytogenetic location: 19q13.43.
Variant type: single nucleotide variant.
Genome position: GRCh38 VCF-style: chr19-56027071-C-T. GRCh37 (hg19) VCF-style: chr19-56538437-C-T.
Identifiers: ClinVar variation 3389179 (VCV003389179.14).

ClinVar aggregate classification (germline): Uncertain significance (1 of 4 stars; one submission).

Submission:

CeGaT Center for Human Genetics Tuebingen
Classification: Uncertain significance. Last evaluated: 2024-10-01. Review status: criteria provided, single submitter. Criteria: CeGaT Center For Human Genetics Tuebingen Variant Classification Criteria Version 2. Collection method: clinical testing. Allele origin: germline. Affected: yes. Observed: 1 variant allele.
Comment: NLRP5: PM2, BP4